The following is an entry in ClinVar:

ClinVar aggregate classification (germline): Uncertain significance. Review status: criteria provided, multiple submitters, no conflicts (2 of 4 stars). 3 submissions from 3 submitters: Uncertain significance (3). Last evaluated 2025-08-30.

Conditions:
VPS13B-related disorder. Also called: VPS13B-related condition.
Cohen syndrome (COH1). Also called: PEPPER SYNDROME; Cutis verticis gyrata, retinitis pigmentosa, and sensorineural deafness. Identifiers: Orphanet 193, MedGen C0265223, MONDO:0008999, OMIM 216550.

gnomAD v4.1: 13 of 1,612,364 alleles (0.00081%); highest among the groups gnomAD compares: African/African-American, 0.0013%; no homozygotes.

Submissions (3):

PreventionGenetics, part of Exact Sciences
Classification: Uncertain significance for VPS13B-related condition. Last evaluated: 2025-08-30. Review status: criteria provided, single submitter. Criteria: ACMG Guidelines, 2015. Collection method: clinical testing. Allele origin: germline.
Comment: The VPS13B c.2209A>G variant is predicted to result in the amino acid substitution p.Ile737Val. To our knowledge, this variant has not been reported in the literature. This variant is reported in 0.00088% of alleles in individuals of European (Non-Finnish) descent in gnomAD. At this time, the clinical significance of this variant is uncertain due to the absence of conclusive functional and genetic evidence.

Labcorp Genetics (formerly Invitae), Labcorp
Classification: Uncertain significance for Cohen syndrome. Last evaluated: 2025-07-28. Review status: criteria provided, single submitter. Criteria: Invitae Variant Classification Sherloc (09022015). Collection method: clinical testing. Allele origin: germline.
Comment: This sequence change replaces isoleucine, which is neutral and non-polar, with valine, which is neutral and non-polar, at codon 737 of the VPS13B protein (p.Ile737Val). This variant is present in population databases (rs369198846, gnomAD 0.0009%). This variant has not been reported in the literature in individuals affected with VPS13B-related conditions. An algorithm developed to predict the effect of missense changes on protein structure and function outputs the following: PolyPhen-2: "Benign". The valine amino acid residue is found in multiple mammalian species, which suggests that this missense change does not adversely affect protein function. In summary, the available evidence is currently insufficient to determine the role of this variant in disease. Therefore, it has been classified as a Variant of Uncertain Significance.

Blueprint Genetics
Classification: Uncertain significance. Last evaluated: 2022-08-23. Review status: criteria provided, single submitter. Criteria: ACMG Guidelines, 2015. Collection method: clinical testing. Allele origin: germline.

NM_152564.5(VPS13B):c.2209A>G (p.Ile737Val)

Gene: VPS13B (vacuolar protein sorting 13 homolog B; plus strand). Cytogenetic location: 8q22.2.
Variant type: single nucleotide variant.
Coding change: c.2209A>G on transcript NM_152564.5 (MANE Select); coding-DNA position 2209, A replaced by G.
Protein change: p.Ile737Val; replaces isoleucine 737 with valine.
Molecular consequence: missense variant.
Genome position (GRCh38, 1-based): chr8:99,170,039, A>G. VCF-style: chr8-99170039-A-G. GRCh37 (hg19) VCF-style: chr8-100182267-A-G.
Other names: c.2209A>G, p.Ile737Val (NM_015243.3, NM_017890.5); short protein forms I737V.
Identifiers: ClinVar variation 4760907 (VCV004760907.3).